The following is an entry in ClinVar:

NM_000069.3(CACNA1S):c.671A>G (p.Lys224Arg)

Gene: CACNA1S (calcium voltage-gated channel subunit alpha1 S; minus strand). Cytogenetic location: 1q32.1.
Variant type: single nucleotide variant.
Coding change: c.671A>G on transcript NM_000069.3 (MANE Select); coding-DNA position 671, A replaced by G.
Protein change: p.Lys224Arg; replaces lysine 224 with arginine.
Molecular consequence: missense variant.
Genome position (GRCh38, 1-based): chr1:201,091,663, T>C on the plus strand (A>G on the coding strand, the complement: CACNA1S is on the minus strand). VCF-style: chr1-201091663-T-C. GRCh37 (hg19) VCF-style: chr1-201060791-T-C.
Other names: short protein forms K224R.
Identifiers: ClinVar variation 2926608 (VCV002926608.4), dbSNP rs1558080665, ClinGen allele CA344139369.

ClinVar aggregate classification (germline): Uncertain significance. Review status: criteria provided, multiple submitters, no conflicts (2 of 4 stars). 2 submissions from 2 submitters: Uncertain significance (2). Last evaluated 2023-09-27.

Conditions:
Malignant hyperthermia, susceptibility to, 5 (MHS5). Also called: CACNA1S-Related Malignant Hyperthermia Susceptibility. Identifiers: Orphanet 423, MedGen C1866077, MONDO:0011163, OMIM 601887.
Hypokalemic periodic paralysis, type 1. Also called: Hypokalemic Periodic Paralysis Type 1 (AD); HypoPP. Identifiers: Orphanet 681, MedGen C3714580, MONDO:0042979, OMIM 170400.

Allele frequency attached by ClinVar (database versions not stated): gnomAD 0.00001; gnomAD exomes 0.00001.
gnomAD v4.1: 6 of 1,614,100 alleles (0.00037%); highest among the groups gnomAD compares: Non-Finnish European, 0.00051%; no homozygotes.

Submissions (2):

Labcorp Genetics (formerly Invitae), Labcorp
Classification: Uncertain significance for Hypokalemic periodic paralysis, type 1; Malignant hyperthermia, susceptibility to, 5. Last evaluated: 2023-09-27. Review status: criteria provided, single submitter. Criteria: Invitae Variant Classification Sherloc (09022015). Collection method: clinical testing. Allele origin: germline.
Comment: This sequence change replaces lysine, which is basic and polar, with arginine, which is basic and polar, at codon 224 of the CACNA1S protein (p.Lys224Arg). This variant is not present in population databases (gnomAD no frequency). This variant has not been reported in the literature in individuals affected with CACNA1S-related conditions. Advanced modeling of protein sequence and biophysical properties (such as structural, functional, and spatial information, amino acid conservation, physicochemical variation, residue mobility, and thermodynamic stability) performed at Invitae indicates that this missense variant is not expected to disrupt CACNA1S protein function. In summary, the available evidence is currently insufficient to determine the role of this variant in disease. Therefore, it has been classified as a Variant of Uncertain Significance.

All of Us Research Program, National Institutes of Health
Classification: Uncertain significance for Malignant hyperthermia, susceptibility to, 5. Last evaluated: 2023-05-08. Review status: criteria provided, single submitter. Criteria: ACMG Guidelines, 2015. Collection method: clinical testing. Allele origin: germline. Inheritance: Autosomal dominant inheritance. Observed: 1 variant allele, 1 heterozygote.
Comment: This study involves interpretation of variants in research participants for the purpose of population health screening. Participant phenotype was not available at the time of variant classification. Additional details can be found in publication PMID: 35346344, PMCID: PMC8962531